The following is an entry in ClinVar:

ClinVar aggregate classification (germline): Uncertain significance (1 of 4 stars; one submission).

Conditions:
Neurofibromatosis, type 1 (NF1). Also called: VON RECKLINGHAUSEN DISEASE; NEUROFIBROMATOSIS, TYPE I, SOMATIC; Peripheral type neurofibromatosis; Neurofibromatosis, type I. Identifiers: Orphanet 636, MedGen C0027831, MONDO:0018975, OMIM 162200. Disease mechanism: loss of function.

Allele frequency attached by ClinVar (database versions not stated): gnomAD exomes 0.00001.
gnomAD v4.1: 3 of 1,613,990 alleles (0.00019%); no homozygotes.

Submission:

Labcorp Genetics (formerly Invitae), Labcorp
Classification: Uncertain significance for Neurofibromatosis, type 1. Last evaluated: 2021-04-23. Review status: criteria provided, single submitter. Criteria: Invitae Variant Classification Sherloc (09022015). Collection method: clinical testing. Allele origin: germline.
Comment: This sequence change replaces tyrosine with histidine at codon 2677 of the NF1 protein (p.Tyr2677His). The tyrosine residue is moderately conserved and there is a moderate physicochemical difference between tyrosine and histidine. This variant is not present in population databases (ExAC no frequency). This variant has not been reported in the literature in individuals with NF1-related conditions. Algorithms developed to predict the effect of missense changes on protein structure and function are either unavailable or do not agree on the potential impact of this missense change (SIFT: "Deleterious"; PolyPhen-2: "Probably Damaging"; Align-GVGD: "Class C0"). In summary, the available evidence is currently insufficient to determine the role of this variant in disease. Therefore, it has been classified as a Variant of Uncertain Significance.

NM_001042492.3(NF1):c.8092T>C (p.Tyr2698His)

Gene: NF1 (neurofibromin 1; plus strand). Cytogenetic location: 17q11.2.
Variant type: single nucleotide variant.
Coding change: c.8092T>C on transcript NM_001042492.3 (MANE Select); coding-DNA position 8092, T replaced by C.
Protein change: p.Tyr2698His; replaces tyrosine 2698 with histidine.
Molecular consequence: missense variant.
Genome position (GRCh38, 1-based): chr17:31,358,601, T>C. VCF-style: chr17-31358601-T-C. GRCh37 (hg19) VCF-style: chr17-29685619-T-C.
Other names: c.8029T>C, p.Tyr2677His (NM_000267.4); short protein forms Y2698H, Y2677H.
Identifiers: ClinVar variation 1041266 (VCV001041266.5), dbSNP rs1405312220, ClinGen allele CA399203944.
Genomic context (GRCh38, chr17:31,358,601, plus strand): 5'-TTAAATCCAATCCATGGAATTGTGCAGAGTGTGGTGTACCATGAAGAATCCCCACCACAA[T>C]ACCAAACATCTTACCTGCAAAGTAAATAAATGTATCTGGAGAAGGATGGTTGATGAACTT-3'
Protein context (NP_001035957.1, residues 2688-2708): VVYHEESPPQ[Tyr2698His]QTSYLQSFGF